The following is an entry in ClinVar:

NM_000128.4(F11):c.1075del (p.Ile359fs)

Gene: F11 (coagulation factor XI; plus strand). Cytogenetic location: 4q35.2.
Variant type: Deletion.
Coding change: c.1075del on transcript NM_000128.4 (MANE Select); coding-DNA position 1075, one base deleted (A; older notation c.1075delA).
Protein change: p.Ile359fs; shifts the reading frame from isoleucine 359.
Molecular consequence: frameshift variant.
Genome position (GRCh38, 1-based): chr4:186,280,520, A deleted; the last of 4 consecutive A bases (chr4:186,280,517-186,280,520); deleting any one gives the same sequence. VCF-style (leftmost placement, unchanged base first): chr4-186280516-TA-T. GRCh37 (hg19) VCF-style: chr4-187201670-TA-T.
Other names: c.1075delA (NM_000128.3); c.1075del (NM_000128.3); short protein forms I359fs.
Identifiers: ClinVar variation 188727 (VCV000188727.20), dbSNP rs786204429, ClinGen allele CA199045.
Genomic context (GRCh38, chr4:186,280,516, plus strand): 5'-TTTTGTTTCCAACTGCAGGGGCAAGTGTTACTTAAAGCTTTCTTCAAACGGATCTCCAAC[TA>T]AAATACTTCACGGGAGAGGAGGCATCTCTGGATACACATTAAGGTTGTGTAAAATGGATA-3'

ClinVar aggregate classification (germline): Pathogenic. Review status: criteria provided, multiple submitters, no conflicts (2 of 4 stars). 9 submissions from 9 submitters: Pathogenic (8). 1 of the submissions does not count toward it. Last evaluated 2026-09-09.

Conditions:
Plasma factor XI deficiency.
F11-related disorder. Also called: F11-related condition.
Inborn genetic diseases. Identifiers: MedGen C0950123, MeSH D030342.
Hereditary factor XI deficiency disease. Also called: Congenital factor XI deficiency; PLASMA THROMBOPLASTIN ANTECEDENT DEFICIENCY; PTA DEFICIENCY; ROSENTHAL SYNDROME. Identifiers: Orphanet 329, MedGen C0015523, MeSH D005173, MONDO:0012897, OMIM 612416.

Submissions (9):

GeneDx
Classification: Pathogenic. Last evaluated: 2026-09-09. Review status: criteria provided, single submitter. Criteria: GeneDx Variant Classification Process June 2021. Collection method: clinical testing. Allele origin: germline.
Comment: Frameshift variant predicted to result in protein truncation or nonsense mediated decay in a gene for which loss of function is a known mechanism of disease; Not observed at significant frequency in large population cohorts (gnomAD); Also known as c.1072delA; This variant is associated with the following publications: (PMID: 31589614, 37647632, 18024374, 11127865)

Ambry Genetics
Classification: Pathogenic for Inborn genetic diseases. Last evaluated: 2025-10-22. Review status: criteria provided, single submitter. Criteria: Ambry Variant Classification Scheme 2023. Collection method: clinical testing. Allele origin: germline.
Comment: The c.1075delA (p.I359Yfs*13) alteration, located in exon 10 (coding exon 9) of the F11 gene, consists of a deletion of one nucleotide at position 1075, causing a translational frameshift with a predicted alternate stop codon after 13 amino acids. This alteration is expected to result in loss of function by premature protein truncation or nonsense-mediated mRNA decay. Based on data from gnomAD, the c.1075delA allele has an overall frequency of 0.001% (2/251416) total alleles studied. The highest observed frequency was 0.002% (2/113702) of European (non-Finnish) alleles. This variant has been identified in the homozygous state and/or in conjunction with other F11 variant(s) in individual(s) with features consistent with Factor XI deficiency (Ventura, 2000; Zucker, 2007). Note, this variant is also referred to as 1072delA in the literature. Based on the available evidence, this alteration is classified as pathogenic.

Dasa
Classification: Pathogenic. Last evaluated: 2025-10-13. Review status: criteria provided, single submitter. Criteria: DASA Assertion Criteria. Collection method: clinical testing. Allele origin: germline.
Comment: NM_000128.4(F11):c.1075del (p.Ile359Tyrfs*13) introduces a premature termination codon predicted to result in loss of normal protein function. Loss-of-function is an established mechanism of disease for this gene. This variant has been reported in an affected individual with related phenotype in a genotype context consistent with recessive disease (PMID: 18024374). Segregation evidence has been reported in affected families. The variant is present at low frequency in population datasets. Based on the available data, this variant is classified as pathogenic.

Natera, Inc.
Classification: Pathogenic for Plasma factor XI deficiency. Last evaluated: 2025-08-21. Review status: criteria provided, single submitter. Criteria: Natera Variant Classification Schema (03/2026). Collection method: clinical testing. Allele origin: germline.
Comment: The c.1075delA variant in F11 is a frameshift variant predicted to shift the reading frame beginning at codon 359 and leads to a stop codon 13 codons downstream. This variant is expected to result in nonsense mediated decay, truncation, or a dysfunctional protein product. This variant is rare in the general population with a frequency below the threshold expected for the associated phenotype(s). This variant has been observed in one or more individuals affected with the associated recessive disease, as either homozygous or compound heterozygous with a second variant (PMID: 18024374). Given the available evidence, this variant is classified as Pathogenic.

Labcorp Genetics (formerly Invitae), Labcorp
Classification: Pathogenic. Last evaluated: 2025-04-27. Review status: criteria provided, single submitter. Criteria: Invitae Variant Classification Sherloc (09022015). Collection method: clinical testing. Allele origin: germline.
Comment: This sequence change creates a premature translational stop signal (p.Ile359Tyrfs*13) in the F11 gene. It is expected to result in an absent or disrupted protein product. Loss-of-function variants in F11 are known to be pathogenic (PMID: 23929304). This variant is present in population databases (rs756604165, gnomAD 0.0009%). This premature translational stop signal has been observed in individual(s) with clinical features of autosomal recessive factor XI deficiency (PMID: 11127865, 18024374). This variant is also known as 1072delA. ClinVar contains an entry for this variant (Variation ID: 188727). For these reasons, this variant has been classified as Pathogenic.

Revvity Omics, Revvity
Classification: Pathogenic for Hereditary factor XI deficiency disease. Last evaluated: 2023-10-12. Review status: criteria provided, single submitter. Criteria: ACMG Guidelines, 2015. Collection method: clinical testing. Allele origin: germline.

PreventionGenetics, part of Exact Sciences
Classification: Pathogenic for F11-related condition. Last evaluated: 2023-08-12. Review status: criteria provided, single submitter. Criteria: ACMG Guidelines, 2015. Collection method: clinical testing. Allele origin: germline.
Comment: The F11 c.1075delA variant is predicted to result in a frameshift and premature protein termination (p.Ile359Tyrfs*13). This variant has been reported in the compound heterozygous state in individuals with Factor XI deficiency (reported as 1072delA in Ventura et al. 2000. PubMed ID: 11127865; Zucker et al. 2007. PubMed ID: 18024374). This variant is reported in 0.0018% of alleles in individuals of European (Non-Finnish) descent in gnomAD. Frameshift variants in F11 are expected to be pathogenic. This variant is interpreted as pathogenic.

Fulgent Genetics
Classification: Pathogenic for Hereditary factor XI deficiency disease. Last evaluated: 2022-04-18. Review status: criteria provided, single submitter. Criteria: ACMG Guidelines, 2015. Collection method: clinical testing. Allele origin: unknown.

Counsyl
Classification: Likely pathogenic for Hereditary factor XI deficiency disease. Last evaluated: 2014-03-18. Review status: no assertion criteria provided. Collection method: literature only. Allele origin: unknown. Inheritance: Autosomal recessive inheritance. Not counted in ClinVar's aggregate classification.

Literature cited by the submitters: PubMed 11127865 (cited by 3 submitters); PubMed 18024374 (cited by 5 submitters); PubMed 23929304 (cited by Labcorp Genetics (formerly Invitae), Labcorp).